The following is an entry in ClinVar:

NM_000342.4(SLC4A1):c.*1933G>A

Gene: SLC4A1 (solute carrier family 4 member 1 (Diego blood group); minus strand). Cytogenetic location: 17q21.31.
Variant type: single nucleotide variant.
Coding change: c.*1933G>A on transcript NM_000342.4 (MANE Select); 1933 bases downstream of the stop codon, G replaced by A.
Molecular consequence: 3 prime UTR variant.
Genome position (GRCh38, 1-based): chr17:44,248,525, C>T on the plus strand (G>A on the coding strand, the complement: SLC4A1 is on the minus strand). VCF-style: chr17-44248525-C-T. GRCh37 (hg19) VCF-style: chr17-42325893-C-T.
Identifiers: ClinVar variation 891262 (VCV000891262.4), dbSNP rs565128885, ClinGen allele CA290923852.

ClinVar aggregate classification (germline): Benign/Likely benign. Review status: criteria provided, single submitter (1 of 4 stars). 3 submissions from 1 submitter: Benign (1); Likely benign (2). Last evaluated 2018-01-13.

Conditions:
Hereditary spherocytosis type 4. Also called: SLC4A1-Related Spherocytosis. Identifiers: Orphanet 822, MedGen C2675212, MONDO:0012981, OMIM 612653.
Autosomal dominant distal renal tubular acidosis (DRTA1). Also called: RTA, CLASSIC TYPE; RTA, DISTAL TYPE, AUTOSOMAL DOMINANT; RTA, GRADIENT TYPE; Renal Tubular Acidosis, Type I; RENAL TUBULAR ACIDOSIS, DISTAL, 1. Identifiers: Orphanet 93608, MedGen CN280572, MONDO:0008368, OMIM 179800.
Hemolytic anemia. Identifiers: MedGen C0002878, MONDO:0003664, HP:0001878.

Allele frequency attached by ClinVar (database versions not stated): gnomAD 0.00034 and 0.00050; TOPMed 0.00034; 1000 Genomes Project 0.00100; 1000 Genomes Project 30x 0.00172.

Submissions (3):

Illumina Laboratory Services, Illumina
Classification: Likely benign for Hemolytic anemia. Last evaluated: 2018-01-13. Review status: criteria provided, single submitter. Criteria: ICSL Variant Classification Criteria 13 December 2019. Collection method: clinical testing. Allele origin: germline.
Comment: This variant was observed in the ICSL laboratory as part of a predisposition screen in an ostensibly healthy population. It had not been previously curated by ICSL or reported in the Human Gene Mutation Database (HGMD: prior to June 1st, 2018), and was therefore a candidate for classification through an automated scoring system. Utilizing variant allele frequency, disease prevalence and penetrance estimates, and inheritance mode, an automated score was calculated to assess if this variant is too frequent to cause the disease. Based on the score and internal cut-off values, a variant classified as likely benign is not then subjected to further curation. The score for this variant resulted in a classification of likely benign for this disease.

Illumina Laboratory Services, Illumina
Classification: Likely benign for Hereditary spherocytosis type 4. Last evaluated: 2018-01-13. Review status: criteria provided, single submitter. Criteria: ICSL Variant Classification Criteria 13 December 2019. Collection method: clinical testing. Allele origin: germline.
Comment: the same text as in the submission from Illumina Laboratory Services, Illumina above.

Illumina Laboratory Services, Illumina
Classification: Benign for Autosomal dominant distal renal tubular acidosis. Last evaluated: 2018-01-13. Review status: criteria provided, single submitter. Criteria: ICSL Variant Classification Criteria 13 December 2019. Collection method: clinical testing. Allele origin: germline.
Comment: This variant was observed in the ICSL laboratory as part of a predisposition screen in an ostensibly healthy population. It had not been previously curated by ICSL or reported in the Human Gene Mutation Database (HGMD: prior to June 1st, 2018), and was therefore a candidate for classification through an automated scoring system. Utilizing variant allele frequency, disease prevalence and penetrance estimates, and inheritance mode, an automated score was calculated to assess if this variant is too frequent to cause the disease. Based on the score and internal cut-off values, a variant classified as benign is not then subjected to further curation. The score for this variant resulted in a classification of benign for this disease.